The following is an entry in ClinVar:

ClinVar aggregate classification (germline): Likely benign (1 of 4 stars; one submission).

gnomAD v4.1: 1 of 1,443,990 alleles (0.000069%); highest among the groups gnomAD compares: Non-Finnish European, 0.00009%; no homozygotes.

Submission:

CeGaT Center for Human Genetics Tuebingen
Classification: Likely benign. Last evaluated: 2022-03-01. Review status: criteria provided, single submitter. Criteria: CeGaT Center For Human Genetics Tuebingen Variant Classification Criteria Version 2. Collection method: clinical testing. Allele origin: germline. Affected: yes. Observed: 1 variant allele.
Comment: TOR4A: PM2:Supporting, BP4, BP7

NM_017723.3(TOR4A):c.90C>T (p.Leu30=)

Gene: TOR4A (torsin family 4 member A; plus strand). Cytogenetic location: 9q34.3.
Variant type: single nucleotide variant.
Coding change: c.90C>T on transcript NM_017723.3 (MANE Select); coding-DNA position 90, C replaced by T.
Protein change: p.Leu30=; no amino-acid change (leucine 30 retained).
Molecular consequence: synonymous variant.
Genome position (GRCh38, 1-based): chr9:137,278,779, C>T. VCF-style: chr9-137278779-C-T. GRCh37 (hg19) VCF-style: chr9-140173231-C-T.
Identifiers: ClinVar variation 2659817 (VCV002659817.24), dbSNP rs2538890366, ClinGen allele CA467944114.
Genomic context (GRCh38, chr9:137,278,779, plus strand): 5'-TGCTGCCGCGGCCCCCCGAGCCTCGGGCCGGTGCGTGATCGCGCCCGTGCGCGCTGTGCT[C>T]CGCCTGCGCCGCCGGGTGTGTGTCCTACGCAAACGGCGCCTCCTGCAGCCGGGTGGGGGG-3'
Protein context (NP_060193.2, residues 20-40): RCVIAPVRAV[Leu30=]RLRRRVCVLR